The following is an entry in ClinVar:

ClinVar aggregate classification (germline): Uncertain significance (1 of 4 stars; one submission).

Submission:

GeneDx
Classification: Uncertain significance. Last evaluated: 2023-11-10. Review status: criteria provided, single submitter. Criteria: GeneDx Variant Classification Process June 2021. Collection method: clinical testing. Allele origin: germline. Affected: yes.
Comment: Has not been previously published as pathogenic or benign to our knowledge; Not observed at significant frequency in large population cohorts (gnomAD); In silico analysis supports that this missense variant has a deleterious effect on protein structure/function; This variant is associated with the following publications: (PMID: 18767143, 19006240)

NM_001999.4(FBN2):c.5124C>G (p.Cys1708Trp)

Gene: FBN2 (fibrillin 2; minus strand). Cytogenetic location: 5q23.3.
Variant type: single nucleotide variant.
Coding change: c.5124C>G on transcript NM_001999.4 (MANE Select); coding-DNA position 5124, C replaced by G.
Protein change: p.Cys1708Trp; replaces cysteine 1708 with tryptophan.
Molecular consequence: missense variant.
Genome position (GRCh38, 1-based): chr5:128,310,059, G>C on the plus strand (C>G on the coding strand, the complement: FBN2 is on the minus strand). VCF-style: chr5-128310059-G-C. GRCh37 (hg19) VCF-style: chr5-127645751-G-C.
Other names: short protein forms C1708W.
Identifiers: ClinVar variation 2662955 (VCV002662955.1), dbSNP rs2479735733, ClinGen allele CA360744505.